The following is an entry in ClinVar:

NM_000038.6(APC):c.3478A>G (p.Thr1160Ala)

Gene: APC (APC regulator of Wnt signaling pathway; plus strand). Cytogenetic location: 5q22.2.
Variant type: single nucleotide variant.
Coding change: c.3478A>G on transcript NM_000038.6 (MANE Select); coding-DNA position 3478, A replaced by G.
Protein change: p.Thr1160Ala; replaces threonine 1160 with alanine.
Molecular consequence: missense variant.
Genome position (GRCh38, 1-based): chr5:112,839,072, A>G. VCF-style: chr5-112839072-A-G. GRCh37 (hg19) VCF-style: chr5-112174769-A-G.
Other names: c.3478A>G, p.Thr1160Ala (NM_001127510.3, NM_001354895.2); c.3424A>G, p.Thr1142Ala (NM_001127511.3); c.3532A>G, p.Thr1178Ala (NM_001354896.2); c.3508A>G, p.Thr1170Ala (NM_001354897.2); c.3403A>G, p.Thr1135Ala (NM_001354898.2); c.3394A>G, p.Thr1132Ala (NM_001354899.2); c.3355A>G, p.Thr1119Ala (NM_001354900.2); c.3301A>G, p.Thr1101Ala (NM_001354901.2); and 5 more; short protein forms T1142A, T1160A, T1132A, T1101A, T877A, T1069A, T1170A, T1178A.
Identifiers: ClinVar variation 482513 (VCV000482513.21), dbSNP rs750054763, ClinGen allele CA035507.

ClinVar aggregate classification (germline): Conflicting classifications of pathogenicity. Review status: criteria provided, conflicting classifications (1 of 4 stars). 4 submissions from 4 submitters: Uncertain significance (2); Likely benign (2). Last evaluated 2025-11-01.

Conditions:
Hereditary cancer-predisposing syndrome. Also called: Neoplastic Syndromes, Hereditary; Tumor predisposition; Hereditary Cancer Syndrome; Hereditary neoplastic syndrome. Identifiers: Orphanet 140162, MedGen C0027672, MeSH D009386, MONDO:0015356.
Classic or attenuated familial adenomatous polyposis. Identifiers: MedGen CN372698, MONDO:0021057.
Familial adenomatous polyposis 1 (FAP1). Also called: FAMILIAL ADENOMATOUS POLYPOSIS 1, ATTENUATED; POLYPOSIS, ADENOMATOUS INTESTINAL. Identifiers: MedGen C2713442, MONDO:0021056, OMIM 175100. Disease mechanism: loss of function.

Allele frequency attached by ClinVar (database versions not stated): TOPMed below 0.00001; ExAC 0.00001; gnomAD exomes 0.00001.
gnomAD v4.1: 3 of 1,614,142 alleles (0.00019%); highest among the groups gnomAD compares: East Asian, 0.0067%; no homozygotes.

Submissions (4):

Labcorp Genetics (formerly Invitae), Labcorp
Classification: Uncertain significance for Familial adenomatous polyposis 1. Last evaluated: 2025-11-01. Review status: criteria provided, single submitter. Criteria: Invitae Variant Classification Sherloc (09022015). Collection method: clinical testing. Allele origin: germline.
Comment: This sequence change replaces threonine, which is neutral and polar, with alanine, which is neutral and non-polar, at codon 1160 of the APC protein (p.Thr1160Ala). This variant is present in population databases (rs750054763, gnomAD 0.02%). This variant has not been reported in the literature in individuals affected with APC-related conditions. ClinVar contains an entry for this variant (Variation ID: 482513). Invitae Evidence Modeling of protein sequence and biophysical properties (such as structural, functional, and spatial information, amino acid conservation, physicochemical variation, residue mobility, and thermodynamic stability) indicates that this missense variant is not expected to disrupt APC protein function with a negative predictive value of 95%. In summary, the available evidence is currently insufficient to determine the role of this variant in disease. Therefore, it has been classified as a Variant of Uncertain Significance.

Color Diagnostics, LLC DBA Color Health
Classification: Likely benign for Hereditary cancer-predisposing syndrome. Last evaluated: 2025-01-14. Review status: criteria provided, single submitter. Criteria: ACMG Guidelines, 2015. Collection method: clinical testing. Allele origin: germline.

Ambry Genetics
Classification: Likely benign for Hereditary cancer-predisposing syndrome. Last evaluated: 2023-10-26. Review status: criteria provided, single submitter. Criteria: Ambry Variant Classification Scheme 2023. Collection method: clinical testing. Allele origin: germline.

All of Us Research Program, National Institutes of Health
Classification: Uncertain significance for Classic or attenuated familial adenomatous polyposis. Last evaluated: 2023-05-04. Review status: criteria provided, single submitter. Criteria: ACMG Guidelines, 2015. Collection method: clinical testing. Allele origin: germline. Inheritance: Autosomal dominant inheritance. Observed: 1 variant allele, 1 heterozygote.
Comment: This missense variant replaces threonine with alanine at codon 1160 of the APC protein. Computational prediction suggests that this variant may not impact protein structure and function (internally defined REVEL score threshold <= 0.5, PMID: 27666373). To our knowledge, functional studies have not been reported for this variant. This variant has not been reported in individuals affected with APC-related disorders in the literature. This variant has been identified in 3/250856 chromosomes in the general population by the Genome Aggregation Database (gnomAD). The available evidence is insufficient to determine the role of this variant in disease conclusively. Therefore, this variant is classified as a Variant of Uncertain Significance.

This study involves interpretation of variants in research participants for the purpose of population health screening. Participant phenotype was not available at the time of variant classification. Additional details can be found in publication PMID: 35346344, PMCID: PMC8962531